The following is an entry in ClinVar:

NM_001470.4(GABBR1):c.1714_1726del (p.Ser572fs)

Gene: GABBR1 (gamma-aminobutyric acid type B receptor subunit 1; minus strand). Cytogenetic location: 6p22.1.
Variant type: Deletion.
Coding change: c.1714_1726del on transcript NM_001470.4 (MANE Select); coding-DNA positions 1714 to 1726, 13 bases deleted (TCCCCCCCAGCTG).
Protein change: p.Ser572fs; shifts the reading frame from serine 572.
Molecular consequence: frameshift variant.
Genome position (GRCh38, 1-based): chr6:29,609,362-29,609,374, CAGCTGGGGGGGA deleted on the plus strand (TCCCCCCCAGCTG on the coding strand, the reverse complement: GABBR1 is on the minus strand); deleting any 13 consecutive bases within chr6:29,609,362-29,609,375 gives the same sequence; the c. name uses the placement nearest the transcript's 3' end. VCF-style (leftmost placement, unchanged base first): chr6-29609361-TCAGCTGGGGGGGA-T. GRCh37 (hg19) VCF-style: chr6-29577138-TCAGCTGGGGGGGA-T.
Other names: c.1183_1195del, p.Ser395fs (NM_001319053.2); c.1363_1375del, p.Ser455fs (NM_021903.3); c.1528_1540del, p.Ser510fs (NM_021904.4); short protein forms S395fs, S455fs, S510fs, S572fs.
Identifiers: ClinVar variation 3573855 (VCV003573855.1).

ClinVar aggregate classification (germline): Uncertain significance (1 of 4 stars; one submission).

Submission:

GeneDx
Classification: Uncertain significance. Last evaluated: 2024-07-18. Review status: criteria provided, single submitter. Criteria: GeneDx Variant Classification Process June 2021. Collection method: clinical testing. Allele origin: germline. Affected: yes.
Comment: Not observed at significant frequency in large population cohorts (gnomAD); Frameshift variant predicted to result in protein truncation or nonsense mediated decay in a gene or region of a gene for which loss of function is not a well-established mechanism of disease; Has not been previously published as pathogenic or benign to our knowledge